The following is an entry in ClinVar:

NM_024675.4(PALB2):c.2220A>T (p.Gln740His)

Gene: PALB2 (partner and localizer of BRCA2; minus strand). Cytogenetic location: 16p12.2.
Variant type: single nucleotide variant.
Coding change: c.2220A>T on transcript NM_024675.4 (MANE Select); coding-DNA position 2220, A replaced by T.
Protein change: p.Gln740His; replaces glutamine 740 with histidine.
Molecular consequence: missense variant. On other transcripts: intron variant (1).
Genome position (GRCh38, 1-based): chr16:23,629,934, T>A on the plus strand (A>T on the coding strand, the complement: PALB2 is on the minus strand). VCF-style: chr16-23629934-T-A. GRCh37 (hg19) VCF-style: chr16-23641255-T-A.
Other names: c.2160A>T, p.Gln720His (NM_001407296.1); c.2220A>T, p.Gln740His (NM_001407297.1, NM_001407298.1, NM_001407299.1 and 3 more transcripts); c.1335A>T, p.Gln445His (NM_001407304.1, NM_001407305.1, NM_001407306.1 and 5 more transcripts); c.432A>T, p.Gln144His (NM_001407312.1, NM_001407313.1); c.49-659A>T (NM_001407314.1); short protein forms Q144H, Q445H, Q720H, Q740H.
Identifiers: ClinVar variation 4758662 (VCV004758662.1).
Genomic context (GRCh38, chr16:23,629,934, plus strand): 5'-AAGTTGGGGTGTGCAGCAAGTTCGTCCAGCAACTTCTGTAGATGCTTTTTCATAGGAGCC[T>A]TGAGGGCCAAAGGCTGGAGTAGTACCTAAGATGGGGAAAGCAGGTGAACACATGTCTGTG-3'
Protein context (NP_078951.2, residues 730-750): ILGTTPAFGP[Gln740His]GSYEKASTEV

ClinVar aggregate classification (germline): Uncertain significance (1 of 4 stars; one submission).

Conditions:
Hereditary cancer-predisposing syndrome. Also called: Neoplastic Syndromes, Hereditary; Hereditary neoplastic syndrome; Tumor predisposition; Hereditary Cancer Syndrome. Identifiers: Orphanet 140162, MedGen C0027672, MeSH D009386, MONDO:0015356.

Submission:

Color Diagnostics, LLC DBA Color Health
Classification: Uncertain significance for Hereditary cancer-predisposing syndrome. Last evaluated: 2025-11-17. Review status: criteria provided, single submitter. Criteria: ACMG Guidelines, 2015. Collection method: clinical testing. Allele origin: germline.
Comment: This missense variant replaces glutamine with histidine at codon 740 of the PALB2 protein. Computational prediction suggests that this variant may not impact protein structure and function. To our knowledge, functional studies have not been reported for this variant. This variant has not been reported in individuals affected with PALB2-related disorders in the literature. This variant has not been identified in the general population by the Genome Aggregation Database (gnomAD). The available evidence is insufficient to determine the role of this variant in disease conclusively. Therefore, this variant is classified as a Variant of Uncertain Significance.